The following is an entry in ClinVar:

ClinVar aggregate classification (germline): Conflicting classifications of pathogenicity. Review status: criteria provided, conflicting classifications (1 of 4 stars). 6 submissions from 6 submitters: Uncertain significance (5); Likely benign (1). Last evaluated 2026-09-16.

Conditions:
MKKS-related disorder. Also called: MKKS-related disorders; MKKS-related condition.
Inborn genetic diseases. Identifiers: MedGen C0950123, MeSH D030342.
Bardet-Biedl syndrome 6 (BBS6). Identifiers: Orphanet 110, MedGen C1858054, MONDO:0011523, OMIM 605231.
McKusick-Kaufman syndrome (MKKS). Also called: HYDROMETROCOLPOS SYNDROME; HYDROMETROCOLPOS, POSTAXIAL POLYDACTYLY, AND CONGENITAL HEART MALFORMATION. Identifiers: Orphanet 2473, MedGen C0948368, MONDO:0009367, OMIM 236700.
Bardet-Biedl syndrome (BBS). Identifiers: Orphanet 110, MedGen C0752166, MONDO:0015229.

Allele frequency attached by ClinVar (database versions not stated): gnomAD exomes 0.00002 and 0.00005; ExAC 0.00004; gnomAD 0.00011 and 0.00012; TOPMed 0.00017; ESP Exome Variant Server 0.00023.
gnomAD v4.1: 49 of 1,614,086 alleles (0.003%); highest among the groups gnomAD compares: African/African-American, 0.049%; no homozygotes.

Submissions (6):

PreventionGenetics, part of Exact Sciences
Classification: Uncertain significance for MKKS-related condition. Last evaluated: 2026-09-16. Review status: criteria provided, single submitter. Criteria: ACMG Guidelines, 2015. Collection method: clinical testing. Allele origin: germline.
Comment: The MKKS c.1457G>A variant is predicted to result in the amino acid substitution p.Cys486Tyr. To our knowledge, this variant has not been reported in the literature. This variant is reported in 0.040% of alleles in individuals of African descent in gnomAD. At this time, the clinical significance of this variant is uncertain due to the absence of conclusive functional and genetic evidence.

Ambry Genetics
Classification: Uncertain significance for Inborn genetic diseases. Last evaluated: 2025-08-01. Review status: criteria provided, single submitter. Criteria: Ambry Variant Classification Scheme 2023. Collection method: clinical testing. Allele origin: germline.

Labcorp Genetics (formerly Invitae), Labcorp
Classification: Uncertain significance for McKusick-Kaufman syndrome; Bardet-Biedl syndrome. Last evaluated: 2024-10-24. Review status: criteria provided, single submitter. Criteria: Invitae Variant Classification Sherloc (09022015). Collection method: clinical testing. Allele origin: germline.
Comment: This sequence change replaces cysteine, which is neutral and slightly polar, with tyrosine, which is neutral and polar, at codon 486 of the MKKS protein (p.Cys486Tyr). This variant is present in population databases (rs375952682, gnomAD 0.04%). This variant has not been reported in the literature in individuals affected with MKKS-related conditions. ClinVar contains an entry for this variant (Variation ID: 1419303). Invitae Evidence Modeling of protein sequence and biophysical properties (such as structural, functional, and spatial information, amino acid conservation, physicochemical variation, residue mobility, and thermodynamic stability) indicates that this missense variant is not expected to disrupt MKKS protein function with a negative predictive value of 95%. In summary, the available evidence is currently insufficient to determine the role of this variant in disease. Therefore, it has been classified as a Variant of Uncertain Significance.

Blueprint Genetics
Classification: Likely benign. Last evaluated: 2024-06-13. Review status: criteria provided, single submitter. Criteria: ACMG Guidelines, 2015. Collection method: clinical testing. Allele origin: germline.

Fulgent Genetics
Classification: Uncertain significance for McKusick-Kaufman syndrome; Bardet-Biedl syndrome 6. Last evaluated: 2024-04-04. Review status: criteria provided, single submitter. Criteria: ACMG Guidelines, 2015. Collection method: clinical testing. Allele origin: germline.

GeneDx
Classification: Uncertain significance. Last evaluated: 2023-09-20. Review status: criteria provided, single submitter. Criteria: GeneDx Variant Classification Process June 2021. Collection method: clinical testing. Allele origin: germline. Affected: yes.
Comment: In silico analysis supports that this missense variant does not alter protein structure/function; Has not been previously published as pathogenic or benign to our knowledge

NM_170784.3(MKKS):c.1457G>A (p.Cys486Tyr)

Gene: MKKS (MKKS centrosomal shuttling protein; minus strand). Cytogenetic location: 20p12.2.
Variant type: single nucleotide variant.
Coding change: c.1457G>A on transcript NM_170784.3 (MANE Select); coding-DNA position 1457, G replaced by A.
Protein change: p.Cys486Tyr; replaces cysteine 486 with tyrosine.
Molecular consequence: missense variant. On other transcripts: non-coding transcript variant (1).
Genome position (GRCh38, 1-based): chr20:10,405,503, C>T on the plus strand (G>A on the coding strand, the complement: MKKS is on the minus strand). VCF-style: chr20-10405503-C-T. GRCh37 (hg19) VCF-style: chr20-10386151-C-T.
Other names: c.1457G>A, p.Cys486Tyr (NM_018848.3); c.1457G>A (NM_018848.2); short protein forms C486Y.
Identifiers: ClinVar variation 1419303 (VCV001419303.10), dbSNP rs375952682, ClinGen allele CA9763471.